The following is an entry in ClinVar:

ClinVar aggregate classification (germline): Uncertain significance (1 of 4 stars; one submission).

Allele frequency attached by ClinVar (database versions not stated): ExAC 0.00001; gnomAD exomes below 0.00001; TOPMed 0.00001; gnomAD 0.00001.
gnomAD v4.1: 2 of 1,612,544 alleles (0.00012%); highest among the groups gnomAD compares: African/African-American, 0.0027%; no homozygotes.

Submission:

Labcorp Genetics (formerly Invitae), Labcorp
Classification: Uncertain significance. Last evaluated: 2026-01-14. Review status: criteria provided, single submitter. Criteria: Invitae Variant Classification Sherloc (09022015). Collection method: clinical testing. Allele origin: germline.
Comment: This sequence change replaces glutamic acid, which is acidic and polar, with lysine, which is basic and polar, at codon 1313 of the CACNA1D protein (p.Glu1313Lys). This variant is present in population databases (rs745312784, gnomAD 0.008%). This variant has not been reported in the literature in individuals affected with CACNA1D-related conditions. ClinVar contains an entry for this variant (Variation ID: 2089283). An algorithm developed to predict the effect of missense changes on protein structure and function (PolyPhen-2) suggests that this variant is likely to be tolerated. Algorithms developed to predict the effect of sequence changes on RNA splicing suggest that this variant may disrupt the consensus splice site. In summary, the available evidence is currently insufficient to determine the role of this variant in disease. Therefore, it has been classified as a Variant of Uncertain Significance.

NM_001128840.3(CACNA1D):c.3877G>A (p.Glu1293Lys)

Gene: CACNA1D (calcium voltage-gated channel subunit alpha1 D; plus strand). Cytogenetic location: 3p21.1.
Variant type: single nucleotide variant.
Coding change: c.3877G>A on transcript NM_001128840.3 (MANE Select); coding-DNA position 3877, G replaced by A.
Protein change: p.Glu1293Lys; replaces glutamic acid 1293 with lysine.
Molecular consequence: missense variant. On other transcripts: intron variant (1).
Genome position (GRCh38, 1-based): chr3:53,769,979, G>A. VCF-style: chr3-53769979-G-A. GRCh37 (hg19) VCF-style: chr3-53804006-G-A.
Other names: c.3937G>A, p.Glu1313Lys (NM_000720.4); c.3871-445G>A (NM_001128839.3); short protein forms E1313K, E1293K.
Identifiers: ClinVar variation 2089283 (VCV002089283.4), dbSNP rs745312784, ClinGen allele CA2454732.